The following is an entry in ClinVar:

NM_005422.4(TECTA):c.5452T>G (p.Cys1818Gly)

Genes: TBCEL-TECTA (TBCEL-TECTA readthrough; plus strand), TECTA (tectorin alpha; plus strand). Cytogenetic location: 11q23.3.
Variant type: single nucleotide variant.
Coding change: c.5452T>G on transcript NM_005422.4 (MANE Select); coding-DNA position 5452, T replaced by G.
Protein change: p.Cys1818Gly; replaces cysteine 1818 with glycine.
Molecular consequence: missense variant.
Genome position (GRCh38, 1-based): chr11:121,166,646, T>G. VCF-style: chr11-121166646-T-G. GRCh37 (hg19) VCF-style: chr11-121037355-T-G.
Other names: c.6394T>G, p.Cys2132Gly (NM_001378761.1); c.5452T>G (NM_005422.2); short protein forms C2132G, C1818G.
Identifiers: ClinVar variation 1476549 (VCV001476549.8), dbSNP rs148209145, ClinGen allele CA6327727.

ClinVar aggregate classification (germline): Uncertain significance. Review status: criteria provided, multiple submitters, no conflicts (2 of 4 stars). 3 submissions from 3 submitters: Uncertain significance (3). Last evaluated 2025-01-29.

Conditions:
Inborn genetic diseases. Identifiers: MedGen C0950123, MeSH D030342.

Allele frequency attached by ClinVar (database versions not stated): ExAC 0.00001; gnomAD 0.00001; gnomAD exomes 0.00001 and 0.00002; TOPMed 0.00001; ESP Exome Variant Server 0.00008.
gnomAD v4.1: 34 of 1,614,066 alleles (0.0021%); highest among the groups gnomAD compares: Non-Finnish European, 0.0029%; no homozygotes.

Submissions (3):

Ambry Genetics
Classification: Uncertain significance for Inborn genetic diseases. Last evaluated: 2025-01-29. Review status: criteria provided, single submitter. Criteria: Ambry Variant Classification Scheme 2023. Collection method: clinical testing. Allele origin: germline.

Labcorp Genetics (formerly Invitae), Labcorp
Classification: Uncertain significance. Last evaluated: 2022-10-13. Review status: criteria provided, single submitter. Criteria: Invitae Variant Classification Sherloc (09022015). Collection method: clinical testing. Allele origin: germline.
Comment: In summary, the available evidence is currently insufficient to determine the role of this variant in disease. Therefore, it has been classified as a Variant of Uncertain Significance. Algorithms developed to predict the effect of missense changes on protein structure and function (SIFT, PolyPhen-2, Align-GVGD) all suggest that this variant is likely to be disruptive. ClinVar contains an entry for this variant (Variation ID: 1476549). This variant has not been reported in the literature in individuals affected with TECTA-related conditions. This variant is present in population databases (rs148209145, gnomAD 0.0009%). This sequence change replaces cysteine, which is neutral and slightly polar, with glycine, which is neutral and non-polar, at codon 1818 of the TECTA protein (p.Cys1818Gly).

Blueprint Genetics
Classification: Uncertain significance. Last evaluated: 2019-08-30. Review status: criteria provided, single submitter. Criteria: ACMG Guidelines, 2015. Collection method: clinical testing. Allele origin: germline.